The following is an entry in ClinVar:

ClinVar aggregate classification (germline): Uncertain significance (1 of 4 stars; one submission).

Submission:

GeneDx
Classification: Uncertain significance. Last evaluated: 2023-06-12. Review status: criteria provided, single submitter. Criteria: GeneDx Variant Classification Process June 2021. Collection method: clinical testing. Allele origin: germline. Affected: yes.
Comment: Not observed at significant frequency in large population cohorts (gnomAD); In silico analysis supports that this missense variant does not alter protein structure/function; Has not been previously published as pathogenic or benign to our knowledge

NM_002241.5(KCNJ10):c.95C>A (p.Thr32Lys)

Gene: KCNJ10 (potassium inwardly rectifying channel subfamily J member 10; minus strand). Cytogenetic location: 1q23.2.
Variant type: single nucleotide variant.
Coding change: c.95C>A on transcript NM_002241.5 (MANE Select); coding-DNA position 95, C replaced by A.
Protein change: p.Thr32Lys; replaces threonine 32 with lysine.
Molecular consequence: missense variant.
Genome position (GRCh38, 1-based): chr1:160,042,438, G>T on the plus strand (C>A on the coding strand, the complement: KCNJ10 is on the minus strand). VCF-style: chr1-160042438-G-T. GRCh37 (hg19) VCF-style: chr1-160012228-G-T.
Other names: short protein forms T32K.
Identifiers: ClinVar variation 3252170 (VCV003252170.1), dbSNP rs1648631972.